The following is an entry in ClinVar:

ClinVar aggregate classification (germline): Conflicting classifications of pathogenicity. Review status: criteria provided, conflicting classifications (1 of 4 stars). 2 submissions from 2 submitters: Uncertain significance (1); Likely benign (1). Last evaluated 2025-06-19.

Conditions:
Inborn genetic diseases. Identifiers: MedGen C0950123, MeSH D030342.
Early-infantile DEE. Also called: Ohtahara syndrome; Early infantile epileptic encephalopathy; Early infantile epileptic encephalopathy with suppression bursts. Identifiers: Orphanet 1934, MedGen C0393706, MONDO:0800491.

Allele frequency attached by ClinVar (database versions not stated): TOPMed below 0.00001.
gnomAD v4.1: 12 of 1,614,208 alleles (0.00074%); highest among the groups gnomAD compares: Non-Finnish European, 0.000085%; no homozygotes.

Submissions (2):

Labcorp Genetics (formerly Invitae), Labcorp
Classification: Uncertain significance for Early-infantile DEE. Last evaluated: 2025-06-19. Review status: criteria provided, single submitter. Criteria: Invitae Variant Classification Sherloc (09022015). Collection method: clinical testing. Allele origin: germline.
Comment: This sequence change replaces arginine, which is basic and polar, with glycine, which is neutral and non-polar, at codon 1544 of the SPTAN1 protein (p.Arg1544Gly). This variant is present in population databases (rs373650761, gnomAD 0.05%). This variant has not been reported in the literature in individuals affected with SPTAN1-related conditions. ClinVar contains an entry for this variant (Variation ID: 2598828). Invitae Evidence Modeling of protein sequence and biophysical properties (such as structural, functional, and spatial information, amino acid conservation, physicochemical variation, residue mobility, and thermodynamic stability) has been performed for this missense variant. However, the output from this modeling did not meet the statistical confidence thresholds required to predict the impact of this variant on SPTAN1 protein function. In summary, the available evidence is currently insufficient to determine the role of this variant in disease. Therefore, it has been classified as a Variant of Uncertain Significance.

Ambry Genetics
Classification: Likely benign for Inborn genetic diseases. Last evaluated: 2023-07-03. Review status: criteria provided, single submitter. Criteria: Ambry Variant Classification Scheme 2023. Collection method: clinical testing. Allele origin: germline.

NM_001130438.3(SPTAN1):c.4630A>G (p.Arg1544Gly)

Gene: SPTAN1 (spectrin alpha, non-erythrocytic 1; plus strand). Cytogenetic location: 9q34.11.
Variant type: single nucleotide variant.
Coding change: c.4630A>G on transcript NM_001130438.3 (MANE Select); coding-DNA position 4630, A replaced by G.
Protein change: p.Arg1544Gly; replaces arginine 1544 with glycine.
Molecular consequence: missense variant.
Genome position (GRCh38, 1-based): chr9:128,609,156, A>G. VCF-style: chr9-128609156-A-G. GRCh37 (hg19) VCF-style: chr9-131371435-A-G.
Other names: c.4570A>G, p.Arg1524Gly (NM_001195532.2, NM_001363765.2, NM_001375314.2); c.4630A>G, p.Arg1544Gly (NM_001363759.2, NM_001375310.1, NM_001375311.2 and 2 more transcripts); c.4666A>G, p.Arg1556Gly (NM_001375312.2, NM_001375318.1); short protein forms R1524G, R1556G, R1544G.
Identifiers: ClinVar variation 2598828 (VCV002598828.4), dbSNP rs373650761, ClinGen allele CA5265245.